The following is an entry in ClinVar:

ClinVar aggregate classification (germline): Conflicting classifications of pathogenicity. Review status: criteria provided, conflicting classifications (1 of 4 stars). 5 submissions from 5 submitters: Likely risk allele (1); Uncertain significance (4). Last evaluated 2024-04-29.

Conditions:
Maturity-onset diabetes of the young (MODY). Also called: Maturity onset diabetes mellitus in young. Identifiers: Orphanet 552, MedGen C0342276, MONDO:0018911, HP:0004904.
Maturity-onset diabetes of the young type 1. Also called: MILD JUVENILE DIABETES MELLITUS; MODY type 1; Diabetes mellitus MODY type 1; MODY HNF4A related; HNF4A-Related Maturity-Onset Diabetes of the Young Type 1; MODY, type I. Identifiers: Orphanet 552, MedGen C1852093, MONDO:0007452, OMIM 125850. Disease mechanism: loss of function.

Allele frequency attached by ClinVar (database versions not stated): gnomAD 0.00001; ExAC 0.00002; gnomAD exomes 0.00002 and 0.00003; TOPMed 0.00002; ESP Exome Variant Server 0.00008.

Submissions (5):

Labcorp Genetics (formerly Invitae), Labcorp
Classification: Uncertain significance. Last evaluated: 2024-04-29. Review status: criteria provided, single submitter. Criteria: Invitae Variant Classification Sherloc (09022015). Collection method: clinical testing. Allele origin: germline.
Comment: This sequence change replaces valine, which is neutral and non-polar, with methionine, which is neutral and non-polar, at codon 66 of the HNF4A protein (p.Val66Met). This variant is present in population databases (rs369182343, gnomAD 0.009%). This missense change has been observed in individual(s) with type I diabetes (PMID: 31264968). ClinVar contains an entry for this variant (Variation ID: 994901). Advanced modeling of protein sequence and biophysical properties (such as structural, functional, and spatial information, amino acid conservation, physicochemical variation, residue mobility, and thermodynamic stability) has been performed at Invitae for this missense variant, however the output from this modeling did not meet the statistical confidence thresholds required to predict the impact of this variant on HNF4A protein function. In summary, the available evidence is currently insufficient to determine the role of this variant in disease. Therefore, it has been classified as a Variant of Uncertain Significance.

Molecular Genetics, Royal Melbourne Hospital
Classification: Uncertain significance for Maturity-onset diabetes of the young type 1. Last evaluated: 2023-03-30. Review status: criteria provided, single submitter. Criteria: ACMG Guidelines, 2015. Collection method: clinical testing. Allele origin: germline.
Comment: This sequence change in HNF4A is predicted to replace valine with methionine at codon 88 (p.(Val88Met), also known as NM_175914.4:c.196G>A p.(Val66Met)). The valine residue is highly conserved (100 vertebrates, UCSC), and is located in the nuclear receptor domain. The variant is in a region of high missense constraint (amino acids 59-135) and a mutational hotspot (amino acids 85-89, ClinVar). There is a small physicochemical difference between valine and methionine. The highest population minor allele frequency in gnomAD v2.1 is 0.009% (3/34,570 alleles, 0 homozygotes) in the Latino/admixed American population. This variant has been reported in at least one proband with maturity-onset diabetes of the young (LOVD). Multiple lines of computational evidence predict a deleterious effect for the missense substitution (6/6 algorithms). Based on the classification scheme RMH Modified ACMG Guidelines v1.4.0, this variant is classified as a VARIANT OF UNCERTAIN SIGNIFICANCE. Following criteria are met: PM1, PP3.

Revvity Omics, Revvity
Classification: Uncertain significance. Last evaluated: 2022-01-21. Review status: criteria provided, single submitter. Criteria: ACMG Guidelines, 2015. Collection method: clinical testing. Allele origin: germline.

Athena Diagnostics
Classification: Uncertain significance. Last evaluated: 2020-02-12. Review status: criteria provided, single submitter. Criteria: Athena Diagnostics Criteria. Collection method: clinical testing. Allele origin: unknown.

Clinical Genomics, Uppaluri K&H Personalized Medicine Clinic
Classification: Likely risk allele for Maturity-onset diabetes of the young. Review status: criteria provided, single submitter. Criteria: K & H Uppaluri Personalized Medicine Clinic Variant Classification & Assertion Criteria_Updated V.1. Collection method: research. Allele origin: unknown. Inheritance: Autosomal dominant inheritance.
Comment: Potent mutations in HNF4A are associated with poor insulin secretion in response to hyperglycemia. Associated with MODY1. Patients initially respond well to sulfonylureas but eventually become insulin dependent. However, more evidence is required to ascertain the role of this particular variant rs369182343 in MODY, yet.

Literature cited by the submitters: PubMed 31264968 (cited by Labcorp Genetics (formerly Invitae), Labcorp); DOI 10.1159/000334532 (cited by Clinical Genomics, Uppaluri K&H Personalized Medicine Clinic); PubMed 18268044 (cited by Clinical Genomics, Uppaluri K&H Personalized Medicine Clinic); PubMed 17563455 (cited by Clinical Genomics, Uppaluri K&H Personalized Medicine Clinic); PubMed 32583173 (cited by Clinical Genomics, Uppaluri K&H Personalized Medicine Clinic); PubMed 35052457 (cited by Clinical Genomics, Uppaluri K&H Personalized Medicine Clinic); PubMed 35118593 (cited by Clinical Genomics, Uppaluri K&H Personalized Medicine Clinic).

NM_175914.5(HNF4A):c.196G>A (p.Val66Met)

Gene: HNF4A (hepatocyte nuclear factor 4 alpha; plus strand). Cytogenetic location: 20q13.12.
Variant type: single nucleotide variant.
Coding change: c.196G>A on transcript NM_175914.5 (MANE Select); coding-DNA position 196, G replaced by A.
Protein change: p.Val66Met; replaces valine 66 with methionine.
Molecular consequence: missense variant.
Genome position (GRCh38, 1-based): chr20:44,406,204, G>A. VCF-style: chr20-44406204-G-A. GRCh37 (hg19) VCF-style: chr20-43034844-G-A.
Other names: c.196G>A (NM_175914.4); c.262G>A, p.Val88Met (NM_000457.6, NM_178849.3, NM_178850.3); c.196G>A, p.Val66Met (NM_001030003.3, NM_001030004.3); c.241G>A, p.Val81Met (NM_001258355.2); c.187G>A, p.Val63Met (NM_001287182.2, NM_001287183.2, NM_001287184.2); short protein forms V63M, V66M, V81M, V88M.
Identifiers: ClinVar variation 994901 (VCV000994901.10), dbSNP rs369182343, ClinGen allele CA9870181.